The following is an entry in ClinVar:

NM_000231.3(SGCG):c.101G>A (p.Arg34His)

Gene: SGCG (sarcoglycan gamma; plus strand). Cytogenetic location: 13q12.12.
Variant type: single nucleotide variant.
Coding change: c.101G>A on transcript NM_000231.3 (MANE Select); coding-DNA position 101, G replaced by A.
Protein change: p.Arg34His; replaces arginine 34 with histidine.
Molecular consequence: missense variant.
Genome position (GRCh38, 1-based): chr13:23,203,795, G>A. VCF-style: chr13-23203795-G-A. GRCh37 (hg19) VCF-style: chr13-23777934-G-A.
Other names: NM_000231.3(SGCG):c.101G>A; p.Arg34His; c.155G>A, p.Arg52His (NM_001378244.1); c.101G>A, p.Arg34His (NM_001378245.1, NM_001378246.1); short protein forms R34H, R52H.
Identifiers: ClinVar variation 1209788 (VCV001209788.40), dbSNP rs755404457, ClinGen allele CA6909569.

ClinVar aggregate classification (germline): Uncertain significance. Review status: reviewed by expert panel (3 of 4 stars). 7 submissions from 7 submitters: Uncertain significance (1). 6 of the submissions do not count toward it. Last evaluated 2026-02-17.

Conditions:
Autosomal recessive limb-girdle muscular dystrophy. Identifiers: Orphanet 102015, MedGen C2931907, MONDO:0015152.
Autosomal recessive limb-girdle muscular dystrophy type 2C (LGMDR5). Also called: MUSCULAR DYSTROPHY, DUCHENNE-LIKE; MUSCULAR DYSTROPHY, LIMB-GIRDLE, AUTOSOMAL RECESSIVE 5. Identifiers: Orphanet 353, MedGen C0410173, MONDO:0009677, OMIM 253700. Disease mechanism: Affects gamma-sarcoglycan and also disrupts the integrity of the entire sarcoglycan complex..

Allele frequency attached by ClinVar (database versions not stated): gnomAD 0.00001; TOPMed 0.00001; gnomAD exomes 0.00004 and 0.00005; ExAC 0.00005.
gnomAD v4.1: 61 of 1,613,356 alleles (0.0038%); highest among the groups gnomAD compares: Middle Eastern, 0.082%; 1 homozygote.

Submissions (7):

ClinGen Limb Girdle Muscular Dystrophy Variant Curation Expert Panel, ClinGen
Classification: Uncertain significance for Autosomal recessive limb-girdle muscular dystrophy. Last evaluated: 2026-02-17. Review status: reviewed by expert panel. Criteria: ClinGen LGMD VCEP ACMG Specifications SGCG V2.0.0. Collection method: curation. Allele origin: germline. Inheritance: Autosomal recessive inheritance.
Comment: The NM_000231.3: c.101G>A variant in SGCG is a missense variant expected to result in the substitution of arginine for histidine at amino acid 34, p.(Arg34His). This variant has been detected in at least four patients with features of limb girdle muscular dystrophy (PMID: 30838351; LOVD Individual #00431575; ClinVar SCV006301659.1; GRASP-LGMD Consortium internal data communication), including in a homozygous state in two individuals with known familial consanguinity (0.5 pts; PMID: 30838351; LOVD Individual #00431575) (PM3_Supporting). At least one homozygous patient with this variant presented with childhood onset of limb-girdle muscular dystrophy (PP4; PMID: 30838351). The filtering allele frequency of the variant is 0.0017278 for Middle Eastern alleles in gnomAD v4.1.0 (the upper threshold of the 95% CI of 5/6082), which is higher than the LGMD VCEP threshold (<0.00009) for PM2_Supporting, and therefore it does not meet this criterion. The computational predictor REVEL gives a score of 0.851, which is above the threshold of 0.7, evidence that correlates with impact to SGCG function (PP3). In addition, another missense variant affecting the same codon, c.101G>C p.(Arg34Pro) has been classified as likely pathogenic for LGMD by the ClinGen LGMD VCEP (PM5_Supporting). In summary, there is currently insufficient evidence to classify this variant as likely pathogenic, and it remains a variant of uncertain significance for autosomal recessive limb girdle muscular dystrophy based on the ACMG/AMP criteria applied, as specified by the ClinGen LGMD VCEP (LGMD VCEP specifications version 2.0.0; 02/17/2026): PM3_Supporting, PP4, PP3, PM5_Supporting.

Women's Health and Genetics/Laboratory Corporation of America, LabCorp
Classification: Likely pathogenic for Autosomal recessive limb-girdle muscular dystrophy. Last evaluated: 2026-06-30. Review status: criteria provided, single submitter. Criteria: LabCorp Variant Classification Summary - May 2015. Collection method: clinical testing. Allele origin: germline. Not counted in ClinVar's aggregate classification.
Comment: Variant summary: SGCG c.101G>A (p.Arg34His) results in a non-conservative amino acid change in the encoded protein sequence. Algorithms developed to predict the effect of missense changes on protein structure and function all suggest that this variant is likely to be disruptive. The variant allele was found at a frequency of 4.8e-05 in 251264 control chromosomes. This frequency is not significantly higher than estimated for disease-causing variants in SGCG, allowing no conclusion about variant significance. c.101G>A has been observed in homozygous or compound heterozygous genotype in individuals affected with Limb-Girdle Muscular Dystrophy, Autosomal Recessive (Yis_2018, Sezer_2026). These data indicate that the variant is likely to be associated with disease. To our knowledge, no experimental evidence demonstrating an impact on protein function has been reported. The following publications have been ascertained in the context of this evaluation (PMID: 40785021, 30838351). ClinVar contains an entry for this variant (Variation ID: 1209788). Based on the evidence outlined above, the variant was classified as likely pathogenic.

Medical Genetics Laboratory, Etlik City Hospital
Classification: Likely pathogenic for Autosomal recessive limb-girdle muscular dystrophy type 2C. Last evaluated: 2025-05-15. Review status: criteria provided, single submitter. Criteria: ACMG Guidelines, 2015. Collection method: clinical testing. Allele origin: biparental. Inheritance: Autosomal recessive inheritance. Affected: yes. Observed: 2 variant alleles, 2 compound heterozygotes. Not counted in ClinVar's aggregate classification.
Comment: The c.101G>A p.(Arg34His) missense variant, identified as compound heterozygous in two families with sarcoglycanopathy. The patients had c.392A>G p.(Lys131Arg) and exon 1-4 duplication variants in cis position on the other allele of the SGCG gene. The second allele is also classified as pathogenic by our group in the ClinVar database (Accession Number: SCV006278036.1). The c.101G>A p.(Arg34His) variant has been previously reported in heterozygous form in 61 individuals and homozygous form in one individual of unknown age in the GnomAD database. In silico meta-prediction tools, such as Revel and BayesDel, consistently classified this variant as damaging. However, in the ClinVar database, submissions from three different centers have classified it as a variant of uncertain significance (accession numbers: SCV001806534.1, SCV003300367.1, SCV002563155.17). In our study, the existence of this variant in a compound heterozygous state in two independent families further supports its potential pathogenicity. We propose that reclassifying this variant as "likely pathogenic" would be appropriate based on the current evidence.

Revvity Omics, Revvity
Classification: Uncertain significance for Autosomal recessive limb-girdle muscular dystrophy type 2C. Last evaluated: 2023-12-11. Review status: criteria provided, single submitter. Criteria: ACMG Guidelines, 2015. Collection method: clinical testing. Allele origin: germline. Not counted in ClinVar's aggregate classification.

Labcorp Genetics (formerly Invitae), Labcorp
Classification: Uncertain significance for Autosomal recessive limb-girdle muscular dystrophy type 2C. Last evaluated: 2022-08-16. Review status: criteria provided, single submitter. Criteria: Invitae Variant Classification Sherloc (09022015). Collection method: clinical testing. Allele origin: germline. Not counted in ClinVar's aggregate classification.
Comment: This sequence change replaces arginine, which is basic and polar, with histidine, which is basic and polar, at codon 34 of the SGCG protein (p.Arg34His). This variant is present in population databases (rs755404457, gnomAD 0.02%). This missense change has been observed in individual(s) with limb-girdle muscular dystrophy (PMID: 30838351). ClinVar contains an entry for this variant (Variation ID: 1209788). Algorithms developed to predict the effect of missense changes on protein structure and function are either unavailable or do not agree on the potential impact of this missense change (SIFT: "Deleterious"; PolyPhen-2: "Probably Damaging"; Align-GVGD: "Class C0"). In summary, the available evidence is currently insufficient to determine the role of this variant in disease. Therefore, it has been classified as a Variant of Uncertain Significance.

Genome-Nilou Lab
Classification: Uncertain significance for Autosomal recessive limb-girdle muscular dystrophy type 2C. Last evaluated: 2021-07-22. Review status: criteria provided, single submitter. Criteria: ACMG Guidelines, 2015. Collection method: clinical testing. Allele origin: germline. Affected: no. Not counted in ClinVar's aggregate classification.

CeGaT Center for Human Genetics Tuebingen
Classification: Uncertain significance. Last evaluated: 2021-05-01. Review status: criteria provided, single submitter. Criteria: CeGaT Center For Human Genetics Tuebingen Variant Classification Criteria Version 2. Collection method: clinical testing. Allele origin: germline. Affected: yes. Observed: 1 variant allele. Not counted in ClinVar's aggregate classification.

Literature cited by the submitters: PubMed 30838351 (cited by 3 submitters); PubMed 40785021 (cited by Women's Health and Genetics/Laboratory Corporation of America, LabCorp).